The following is an entry in ClinVar:

NM_032608.7(MYO18B):c.5008C>T (p.Arg1670Trp)

Gene: MYO18B (myosin XVIIIB; plus strand). Cytogenetic location: 22q12.1.
Variant type: single nucleotide variant.
Coding change: c.5008C>T on transcript NM_032608.7 (MANE Select); coding-DNA position 5008, C replaced by T.
Protein change: p.Arg1670Trp; replaces arginine 1670 with tryptophan.
Molecular consequence: missense variant.
Genome position (GRCh38, 1-based): chr22:25,903,691, C>T. VCF-style: chr22-25903691-C-T. GRCh37 (hg19) VCF-style: chr22-26299658-C-T.
Other names: c.5011C>T, p.Arg1671Trp (NM_001318245.2); short protein forms R1671W, R1670W.
Identifiers: ClinVar variation 1425689 (VCV001425689.4), dbSNP rs768378762, ClinGen allele CA10161042.

ClinVar aggregate classification (germline): Uncertain significance (1 of 4 stars; one submission).

Allele frequency attached by ClinVar (database versions not stated): ExAC 0.00001; gnomAD exomes 0.00001; gnomAD 0.00003 and 0.00004; TOPMed 0.00003.
gnomAD v4.1: 19 of 1,609,606 alleles (0.0012%); highest among the groups gnomAD compares: East Asian, 0.0067%; no homozygotes.

Submission:

Labcorp Genetics (formerly Invitae), Labcorp
Classification: Uncertain significance. Last evaluated: 2022-08-16. Review status: criteria provided, single submitter. Criteria: Invitae Variant Classification Sherloc (09022015). Collection method: clinical testing. Allele origin: germline.
Comment: In summary, the available evidence is currently insufficient to determine the role of this variant in disease. Therefore, it has been classified as a Variant of Uncertain Significance. Algorithms developed to predict the effect of missense changes on protein structure and function are either unavailable or do not agree on the potential impact of this missense change (SIFT: "Not Available"; PolyPhen-2: "Possibly Damaging"; Align-GVGD: "Not Available"). ClinVar contains an entry for this variant (Variation ID: 1425689). This variant has not been reported in the literature in individuals affected with MYO18B-related conditions. This variant is present in population databases (rs768378762, gnomAD 0.02%). This sequence change replaces arginine with tryptophan at codon 1670 of the MYO18B protein (p.Arg1670Trp). The arginine residue is weakly conserved and there is a moderate physicochemical difference between arginine and tryptophan.